The following is an entry in ClinVar:

NM_020207.7(ERCC6L2):c.2144G>C (p.Trp715Ser)

Gene: ERCC6L2 (ERCC excision repair 6 like 2; plus strand). Cytogenetic location: 9q22.32.
Variant type: single nucleotide variant.
Coding change: c.2144G>C on transcript NM_020207.7 (MANE Select); coding-DNA position 2144, G replaced by C.
Protein change: p.Trp715Ser; replaces tryptophan 715 with serine.
Molecular consequence: missense variant. On other transcripts: non-coding transcript variant (1).
Genome position (GRCh38, 1-based): chr9:95,970,619, G>C. VCF-style: chr9-95970619-G-C. GRCh37 (hg19) VCF-style: chr9-98732901-G-C.
Other names: c.2144G>C, p.Trp715Ser (NM_001375291.1, NM_001375292.1, NM_001375293.1 and 1 more transcripts); short protein forms W715S.
Identifiers: ClinVar variation 3645479 (VCV003645479.2).
Genomic context (GRCh38, chr9:95,970,619, plus strand): 5'-TCTTACTGACATTATAGAGAGAAGGCCAAGTAGAAGCAGGGATCATGACAGCCACAACAT[G>C]GTTGAAAGAGGGACCTCCAGCACACAAACTGGAAATGGTATGTAATATTTGAACCTGTAG-3'
Protein context (NP_064592.3, residues 705-725): VEAGIMTATT[Trp715Ser]LKEGPPAHKL

ClinVar aggregate classification (germline): Uncertain significance (1 of 4 stars; one submission).

Submission:

Labcorp Genetics (formerly Invitae), Labcorp
Classification: Uncertain significance. Last evaluated: 2024-03-12. Review status: criteria provided, single submitter. Criteria: Invitae Variant Classification Sherloc (09022015). Collection method: clinical testing. Allele origin: germline.
Comment: This sequence change replaces tryptophan, which is neutral and slightly polar, with serine, which is neutral and polar, at codon 726 of the ERCC6L2 protein (p.Trp726Ser). This variant is not present in population databases (gnomAD no frequency). This variant has not been reported in the literature in individuals affected with ERCC6L2-related conditions. Experimental studies and prediction algorithms are not available or were not evaluated, and the functional significance of this variant is currently unknown. In summary, the available evidence is currently insufficient to determine the role of this variant in disease. Therefore, it has been classified as a Variant of Uncertain Significance.